The following is an entry in ClinVar:

ClinVar aggregate classification (germline): Pathogenic (1 of 4 stars; one submission).

Conditions:
Neuromuscular disease caused by qualitative or quantitative defects of dysferlin. Also called: Qualitative or quantitative defects of dysferlin; Dysferlinopathy. Identifiers: Orphanet 207073, MedGen C2931687, MONDO:0016145.

Submission:

Labcorp Genetics (formerly Invitae), Labcorp
Classification: Pathogenic for Neuromuscular disease caused by qualitative or quantitative defects of dysferlin. Last evaluated: 2023-10-25. Review status: criteria provided, single submitter. Criteria: Invitae Variant Classification Sherloc (09022015). Collection method: clinical testing. Allele origin: unknown.
Comment: This variant is a gross deletion of the genomic region encompassing exon(s) 48-51 of the DYSF gene. This deletion is out-of-frame, and is expected to create a premature termination codon and result in an absent or disrupted protein product. Loss-of-function variants in DYSF are known to be pathogenic (PMID: 17698709, 20301480). This variant has not been reported in the literature in individuals affected with DYSF-related conditions. For these reasons, this variant has been classified as Pathogenic.

Literature cited by the submitters: PubMed 17698709; PubMed 20301480.

NC_000002.11:g.(?_71895864)_(71901446_?)del

Gene: DYSF (dysferlin; plus strand). Cytogenetic location: 2p13.2.
Variant type: Deletion.
Identifiers: ClinVar variation 3247374 (VCV003247374.1).